The following is an entry in ClinVar:

ClinVar aggregate classification (germline): Uncertain significance (1 of 4 stars; one submission).

Conditions:
Curry-Hall syndrome (WAD). Also called: WEYERS ACRODENTAL DYSOSTOSIS. Identifiers: Orphanet 952, MedGen C0457013, MONDO:0008673, OMIM 193530.
Ellis-van Creveld syndrome (EVC). Also called: Chondroectodermal dysplasia; EVC-Related Ellis-van Creveld Syndrome; EVC2-Related Ellis-van Creveld Syndrome; MESOECTODERMAL DYSPLASIA. Identifiers: Orphanet 289, MedGen C0013903, MONDO:0009162, OMIM 225500.

Allele frequency attached by ClinVar (database versions not stated): TOPMed 0.00006; gnomAD 0.00010 and 0.00011.
gnomAD v4.1: 25 of 1,614,050 alleles (0.0015%); highest among the groups gnomAD compares: Admixed American, 0.042%; no homozygotes.

Submission:

Labcorp Genetics (formerly Invitae), Labcorp
Classification: Uncertain significance for Curry-Hall syndrome; Ellis-van Creveld syndrome. Last evaluated: 2022-08-15. Review status: criteria provided, single submitter. Criteria: Invitae Variant Classification Sherloc (09022015). Collection method: clinical testing. Allele origin: germline.
Comment: This sequence change replaces aspartic acid, which is acidic and polar, with glycine, which is neutral and non-polar, at codon 100 of the EVC protein (p.Asp100Gly). This variant is present in population databases (no rsID available, gnomAD 0.03%). This variant has not been reported in the literature in individuals affected with EVC-related conditions. ClinVar contains an entry for this variant (Variation ID: 1518820). Algorithms developed to predict the effect of missense changes on protein structure and function output the following: SIFT: "Deleterious"; PolyPhen-2: "Benign"; Align-GVGD: "Class C0". The glycine amino acid residue is found in multiple mammalian species, which suggests that this missense change does not adversely affect protein function. Algorithms developed to predict the effect of sequence changes on RNA splicing suggest that this variant may disrupt the consensus splice site. In summary, the available evidence is currently insufficient to determine the role of this variant in disease. Therefore, it has been classified as a Variant of Uncertain Significance.

NM_153717.3(EVC):c.299A>G (p.Asp100Gly)

Gene: EVC (EvC ciliary complex subunit 1; plus strand). Cytogenetic location: 4p16.2.
Variant type: single nucleotide variant.
Coding change: c.299A>G on transcript NM_153717.3 (MANE Select); coding-DNA position 299, A replaced by G.
Protein change: p.Asp100Gly; replaces aspartic acid 100 with glycine.
Molecular consequence: missense variant.
Genome position (GRCh38, 1-based): chr4:5,719,372, A>G. VCF-style: chr4-5719372-A-G. GRCh37 (hg19) VCF-style: chr4-5721099-A-G.
Other names: c.299A>G, p.Asp100Gly (NM_001306090.2, NM_001306092.2); short protein forms D100G.
Identifiers: ClinVar variation 1518820 (VCV001518820.9), dbSNP rs1282571678, ClinGen allele CA356158420.